The following is an entry in ClinVar:

ClinVar aggregate classification (germline): Likely benign (1 of 4 stars; one submission).

Allele frequency attached by ClinVar (database versions not stated): ExAC 0.00101; gnomAD 0.00247; TOPMed 0.00267; ESP Exome Variant Server 0.00269; 1000 Genomes Project 0.00399; 1000 Genomes Project 30x 0.00422.
gnomAD v4.1: 921 of 1,614,206 alleles (0.057%); highest among the groups gnomAD compares: African/African-American, 0.83%; 4 homozygotes.

Submission:

CeGaT Center for Human Genetics Tuebingen
Classification: Likely benign. Last evaluated: 2023-02-01. Review status: criteria provided, single submitter. Criteria: CeGaT Center For Human Genetics Tuebingen Variant Classification Criteria Version 2. Collection method: clinical testing. Allele origin: germline. Affected: yes. Observed: 1 variant allele.
Comment: SCD5: BP4, BP7, BS2

NM_001037582.3(SCD5):c.723C>T (p.Ala241=)

Gene: SCD5 (stearoyl-CoA desaturase 5; minus strand). Cytogenetic location: 4q21.22.
Variant type: single nucleotide variant.
Coding change: c.723C>T on transcript NM_001037582.3 (MANE Select); coding-DNA position 723, C replaced by T.
Protein change: p.Ala241=; no amino-acid change (alanine 241 retained).
Molecular consequence: synonymous variant.
Genome position (GRCh38, 1-based): chr4:82,636,670, G>A on the plus strand (C>T on the coding strand, the complement: SCD5 is on the minus strand). VCF-style: chr4-82636670-G-A. GRCh37 (hg19) VCF-style: chr4-83557823-G-A.
Identifiers: ClinVar variation 2654844 (VCV002654844.24), dbSNP rs75025667, ClinGen allele CA2985655.
Genomic context (GRCh38, chr4:82,636,670, plus strand): 5'-GAGTGGGTTCTGCCGAGGGCTGATGTGCTTGTCATAGGGCCGGTTTCCATACATGTGGGC[G>A]GCGCTGTTGACCAGCCAGCTGATGTTGAGTGAGATGGTATAGCGGAGAATAGAGGCCAAG-3'
Protein context (NP_001032671.2, residues 231-251): SLNISWLVNS[Ala241=]AHMYGNRPYD